The following is an entry in ClinVar:

ClinVar aggregate classification (germline): Uncertain significance (1 of 4 stars; one submission).

Conditions:
Early Myoclonic Encephalopathy. Identifiers: MedGen C0270855.

Allele frequency attached by ClinVar (database versions not stated): gnomAD exomes below 0.00001.
gnomAD v4.1: 1 of 1,614,144 alleles (0.000062%); highest among the groups gnomAD compares: Admixed American, 0.0017%; no homozygotes.

Submission:

Labcorp Genetics (formerly Invitae), Labcorp
Classification: Uncertain significance for Early Myoclonic Encephalopathy. Last evaluated: 2022-05-11. Review status: criteria provided, single submitter. Criteria: Invitae Variant Classification Sherloc (09022015). Collection method: clinical testing. Allele origin: germline.
Comment: In summary, the available evidence is currently insufficient to determine the role of this variant in disease. Therefore, it has been classified as a Variant of Uncertain Significance. Advanced modeling of protein sequence and biophysical properties (such as structural, functional, and spatial information, amino acid conservation, physicochemical variation, residue mobility, and thermodynamic stability) performed at Invitae indicates that this missense variant is not expected to disrupt KCND2 protein function. This variant has not been reported in the literature in individuals affected with KCND2-related conditions. This variant is not present in population databases (gnomAD no frequency). This sequence change replaces serine, which is neutral and polar, with cysteine, which is neutral and slightly polar, at codon 113 of the KCND2 protein (p.Ser113Cys).

NM_012281.3(KCND2):c.338C>G (p.Ser113Cys)

Gene: KCND2 (potassium voltage-gated channel subfamily D member 2; plus strand). Cytogenetic location: 7q31.31.
Variant type: single nucleotide variant.
Coding change: c.338C>G on transcript NM_012281.3 (MANE Select); coding-DNA position 338, C replaced by G.
Protein change: p.Ser113Cys; replaces serine 113 with cysteine.
Molecular consequence: missense variant.
Genome position (GRCh38, 1-based): chr7:120,274,970, C>G. VCF-style: chr7-120274970-C-G. GRCh37 (hg19) VCF-style: chr7-119915024-C-G.
Other names: short protein forms S113C.
Identifiers: ClinVar variation 2122613 (VCV002122613.4), dbSNP rs2546907034, ClinGen allele CA369131376.